The following is an entry in ClinVar:

ClinVar aggregate classification (germline): Pathogenic. Review status: criteria provided, multiple submitters, no conflicts (2 of 4 stars). 3 submissions from 3 submitters: Pathogenic (2). 1 of the submissions does not count toward it. Last evaluated 2025-09-15.

Conditions:
Oguchi disease-2. Also called: NIGHT BLINDNESS, CONGENITAL STATIONARY, OGUCHI TYPE 2. Identifiers: Orphanet 75382, MedGen C3150678, MONDO:0013259, OMIM 613411.
Retinal dystrophy. Also called: Inherited retinal dystrophy. Identifiers: Orphanet 71862, MedGen C0854723, MeSH D058499, MONDO:0019118, HP:0000556.

Submissions (3):

First Genomix Gene Laboratory, Genetic Diagnostics Department
Classification: Pathogenic for Oguchi disease-2. Last evaluated: 2025-09-15. Review status: criteria provided, single submitter. Criteria: ACMG Guidelines, 2015. Collection method: clinical testing. Allele origin: germline. Inheritance: Autosomal recessive inheritance. Affected: no. Observed: 1 variant allele.

Ophthalmic Genetics Group, Institute of Molecular and Clinical Ophthalmology Basel
Classification: Pathogenic for Retinal dystrophy. Last evaluated: 2024-05-27. Review status: criteria provided, single submitter. Criteria: ACMG Guidelines, 2015. Collection method: research. Allele origin: germline. Affected: yes. Observed: 1 variant allele.
Comment: This variant was classified as Pathogenic based on ACMG criteria: PVS1_very strong, PM2_mod, PM3_strong

Leeds Institute of Medical Research, University of Leeds
Classification: Likely pathogenic for Oguchi disease-2. Last evaluated: 2019-02-20. Review status: no assertion criteria provided. Collection method: clinical testing. Allele origin: inherited. Inheritance: Autosomal recessive inheritance. Affected: yes. Not counted in ClinVar's aggregate classification.

Literature cited by the submitters: PubMed 40180963 (cited by Ophthalmic Genetics Group, Institute of Molecular and Clinical Ophthalmology Basel).

NM_002929.3(GRK1):c.142_145del (p.Glu48fs)

Gene: GRK1 (G protein-coupled receptor kinase 1; plus strand). Cytogenetic location: 13q34.
Variant type: Deletion.
Coding change: c.142_145del on transcript NM_002929.3 (MANE Select); coding-DNA positions 142 to 145, 4 bases deleted (GAGT; older notation c.142_145delGAGT).
Protein change: p.Glu48fs; shifts the reading frame from glutamic acid 48.
Molecular consequence: frameshift variant.
Genome position (GRCh38, 1-based): chr13:113,667,528-113,667,531, GAGT deleted; deleting any 4 consecutive bases within chr13:113,667,526-113,667,531 gives the same sequence; the c. name uses the placement nearest the transcript's 3' end. VCF-style (leftmost placement, unchanged base first): chr13-113667525-TGTGA-T. GRCh37 (hg19) VCF-style: chr13-114321840-TGTGA-T.
Other names: NC_000013.10:g.114321843_114321846del; NP_002920.1:p.(Glu48ProfsTer82); c.142_145delGAGT (NM_002929.3); short protein forms E48fs.
Identifiers: ClinVar variation 870427 (VCV000870427.4), dbSNP rs748680704, ClinGen allele CA7066034.